The following is an entry in ClinVar:

NM_001161403.3(LIMS2):c.355G>A (p.Gly119Ser)

Gene: LIMS2 (LIM zinc finger domain containing 2; minus strand). Cytogenetic location: 2q14.3.
Variant type: single nucleotide variant.
Coding change: c.355G>A on transcript NM_001161403.3 (MANE Select); coding-DNA position 355, G replaced by A.
Protein change: p.Gly119Ser; replaces glycine 119 with serine.
Molecular consequence: missense variant.
Genome position (GRCh38, 1-based): chr2:127,654,428, C>T on the plus strand (G>A on the coding strand, the complement: LIMS2 is on the minus strand). VCF-style: chr2-127654428-C-T. GRCh37 (hg19) VCF-style: chr2-128412002-C-T.
Other names: c.421G>A, p.Gly141Ser (NM_001136037.4); c.340G>A, p.Gly114Ser (NM_001161404.2); c.427G>A, p.Gly143Ser (NM_017980.5); short protein forms G114S, G141S, G119S, G143S.
Identifiers: ClinVar variation 2533910 (VCV002533910.3), dbSNP rs753103205, ClinGen allele CA1863441.

ClinVar aggregate classification (germline): Uncertain significance. Review status: criteria provided, multiple submitters, no conflicts (2 of 4 stars). 2 submissions from 2 submitters: Uncertain significance (2). Last evaluated 2025-07-30.

Conditions:
Autosomal recessive limb-girdle muscular dystrophy type 2W (MDRCMTT). Also called: Muscular dystrophy, limb-girdle, type 2W; Muscular dystrophy, autosomal recessive, with cardiomyopathy and triangular tongue. Identifiers: MedGen C4225192, MONDO:0014788, OMIM 616827.

Allele frequency attached by ClinVar (database versions not stated): ExAC 0.00001; gnomAD 0.00001; gnomAD exomes 0.00001.

Submissions (2):

Labcorp Genetics (formerly Invitae), Labcorp
Classification: Uncertain significance for Autosomal recessive limb-girdle muscular dystrophy type 2W. Last evaluated: 2025-07-30. Review status: criteria provided, single submitter. Criteria: Invitae Variant Classification Sherloc (09022015). Collection method: clinical testing. Allele origin: germline.
Comment: This sequence change replaces glycine, which is neutral and non-polar, with serine, which is neutral and polar, at codon 141 of the LIMS2 protein (p.Gly141Ser). This variant is not present in population databases (gnomAD no frequency). This variant has not been reported in the literature in individuals affected with LIMS2-related conditions. ClinVar contains an entry for this variant (Variation ID: 2533910). Invitae Evidence Modeling of protein sequence and biophysical properties (such as structural, functional, and spatial information, amino acid conservation, physicochemical variation, residue mobility, and thermodynamic stability) indicates that this missense variant is not expected to disrupt LIMS2 protein function with a negative predictive value of 80%. In summary, the available evidence is currently insufficient to determine the role of this variant in disease. Therefore, it has been classified as a Variant of Uncertain Significance.

Ambry Genetics
Classification: Uncertain significance. Last evaluated: 2023-04-06. Review status: criteria provided, single submitter. Criteria: Ambry Variant Classification Scheme 2023. Collection method: clinical testing. Allele origin: germline.